The following is an entry in ClinVar:

ClinVar aggregate classification (germline): Uncertain significance. Review status: criteria provided, multiple submitters, no conflicts (2 of 4 stars). 3 submissions from 3 submitters: Uncertain significance (3). Last evaluated 2026-03-13.

Conditions:
Mitochondrial complex II deficiency, nuclear type 1. Also called: SUCCINATE CoQ REDUCTASE DEFICIENCY. Identifiers: Orphanet 3208, MedGen C5700310, MONDO:0100294, OMIM 252011.
Pheochromocytoma/paraganglioma syndrome 5. Also called: Paragangliomas 5; SDHA-Related Hereditary Paraganglioma-Pheochromocytoma Syndrome. Identifiers: Orphanet 29072, MedGen C3279992, MONDO:0013602, OMIM 614165.
Hereditary cancer-predisposing syndrome. Also called: Hereditary neoplastic syndrome; Tumor predisposition; Neoplastic Syndromes, Hereditary; Hereditary Cancer Syndrome. Identifiers: Orphanet 140162, MedGen C0027672, MeSH D009386, MONDO:0015356.

Submissions (3):

Helix
Classification: Uncertain significance for Pheochromocytoma/paraganglioma syndrome 5. Last evaluated: 2026-03-13. Review status: criteria provided, single submitter. Criteria: ACMG Guidelines, 2015. Collection method: clinical testing. Allele origin: germline. Inheritance: Autosomal dominant inheritance.
Comment: This variant (NM_004168.4:c.1502T>G p.Phe501Cys) results in the substitution of phenylalanine with cysteine at codon 501 in the SDHA protein. It is a rare variant that is absent from the large gnomAD population database (v4.1). To our knowledge, this variant has not been reported in individuals with SDHA-related conditions in the published literature. In silico prediction from REVEL (PMID: 27666373) suggests that this variant may be benign. This variant is present in ClinVar (Accession: VCV000579940.11). In conclusion, since the available evidence is limited, the clinical significance of this variant is unclear at this time. Therefore, it is classified as a Variant of Uncertain Significance.

Labcorp Genetics (formerly Invitae), Labcorp
Classification: Uncertain significance for Pheochromocytoma/paraganglioma syndrome 5; Mitochondrial complex II deficiency, nuclear type 1. Last evaluated: 2025-10-13. Review status: criteria provided, single submitter. Criteria: Invitae Variant Classification Sherloc (09022015). Collection method: clinical testing. Allele origin: germline.
Comment: This sequence change replaces phenylalanine, which is neutral and non-polar, with cysteine, which is neutral and slightly polar, at codon 501 of the SDHA protein (p.Phe501Cys). This variant is not present in population databases (gnomAD no frequency). This variant has not been reported in the literature in individuals affected with SDHA-related conditions. ClinVar contains an entry for this variant (Variation ID: 579940). Invitae Evidence Modeling of protein sequence and biophysical properties (such as structural, functional, and spatial information, amino acid conservation, physicochemical variation, residue mobility, and thermodynamic stability) indicates that this missense variant is not expected to disrupt SDHA protein function with a negative predictive value of 95%. In summary, the available evidence is currently insufficient to determine the role of this variant in disease. Therefore, it has been classified as a Variant of Uncertain Significance.

Ambry Genetics
Classification: Uncertain significance for Hereditary cancer-predisposing syndrome. Last evaluated: 2022-10-24. Review status: criteria provided, single submitter. Criteria: Ambry Variant Classification Scheme 2023. Collection method: clinical testing. Allele origin: germline.
Comment: The p.F501C variant (also known as c.1502T>G), located in coding exon 11 of the SDHA gene, results from a T to G substitution at nucleotide position 1502. The phenylalanine at codon 501 is replaced by cysteine, an amino acid with highly dissimilar properties. This amino acid position is conserved. In addition, the in silico prediction for this alteration is inconclusive. Since supporting evidence is limited at this time, the clinical significance of this alteration remains unclear.

NM_004168.4(SDHA):c.1502T>G (p.Phe501Cys)

Gene: SDHA (succinate dehydrogenase complex flavoprotein subunit A; plus strand). Cytogenetic location: 5p15.33.
Variant type: single nucleotide variant.
Coding change: c.1502T>G on transcript NM_004168.4 (MANE Select); coding-DNA position 1502, T replaced by G.
Protein change: p.Phe501Cys; replaces phenylalanine 501 with cysteine.
Molecular consequence: missense variant.
Genome position (GRCh38, 1-based): chr5:240,427, T>G. VCF-style: chr5-240427-T-G. GRCh37 (hg19) VCF-style: chr5-240542-T-G.
Other names: c.1358T>G, p.Phe453Cys (NM_001294332.2); c.1502T>G, p.Phe501Cys (NM_001330758.2); short protein forms F501C, F453C.
Identifiers: ClinVar variation 579940 (VCV000579940.12), dbSNP rs757932443, ClinGen allele CA359014309.
Genomic context (GRCh38, chr5:240,427, plus strand): 5'-TCCCTCCAATTAAACCAAACGCTGGGGAAGAATCTGTCATGAATCTTGACAAATTGAGAT[T>G]TGCTGATGGAAGCATAAGAACATCGGAACTGCGACTCAGCATGCAGAAGGTAAGAGCCTG-3'
Protein context (NP_004159.2, residues 491-511): ESVMNLDKLR[Phe501Cys]ADGSIRTSEL